The following is an entry in ClinVar:

ClinVar aggregate classification (germline): Uncertain significance (1 of 4 stars; one submission).

Conditions:
Testicular anomalies with or without congenital heart disease (TACHD). Identifiers: Orphanet 251510, MedGen C3809858, MONDO:0014239, OMIM 615542.
Tetralogy of Fallot (TOF). Identifiers: Orphanet 3303, MedGen C0039685, MONDO:0008542, OMIM 187500, HP:0001636.
Atrioventricular septal defect 4 (AVSD4). Identifiers: MedGen C3280781, MONDO:0013747, OMIM 614430.
Atrial septal defect 2 (ASD2). Identifiers: Orphanet 1478, MedGen C1842778, MONDO:0011938, OMIM 607941.
Ventricular septal defect 1 (VSD1). Identifiers: MedGen C3280777, MONDO:0013746, OMIM 614429.

Submission:

Juno Genomics, Hangzhou Juno Genomics, Inc
Classification: Uncertain significance for Tetralogy of Fallot; Ventricular septal defect 1; Testicular anomalies with or without congenital heart disease; Atrial septal defect 2; Atrioventricular septal defect 4. Review status: criteria provided, single submitter. Criteria: ACMG Guidelines, 2015. Collection method: clinical testing. Allele origin: germline.
Comment: Absent from controls (or at extremely low frequency if recessive) in Genome Aggregation Database.

NM_001308093.3(GATA4):c.1006T>A (p.Ser336Thr)

Gene: GATA4 (GATA binding protein 4). Cytogenetic location: 8p23.1.
Variant type: single nucleotide variant.
Coding change: c.1006T>A on transcript NM_001308093.3 (MANE Select); coding-DNA position 1006, T replaced by A.
Protein change: p.Ser336Thr; replaces serine 336 with threonine.
Molecular consequence: missense variant.
Genome position (GRCh38, 1-based): chr8:11,756,940, T>A. VCF-style: chr8-11756940-T-A. GRCh37 (hg19) VCF-style: chr8-11614449-T-A.
Other names: c.385T>A, p.Ser129Thr (NM_001308094.2, NM_001374273.1); c.259T>A, p.Ser87Thr (NM_001374274.1); c.1003T>A, p.Ser335Thr (NM_002052.5); short protein forms S335T, S129T, S336T, S87T.
Identifiers: ClinVar variation 5007267 (VCV005007267.2).